The following is an entry in ClinVar:

ClinVar aggregate classification (germline): Pathogenic. Review status: reviewed by expert panel (3 of 4 stars). 16 submissions from 15 submitters: Pathogenic (1). 15 of the submissions do not count toward it. Last evaluated 2016-09-08.

Conditions:
Hereditary cancer-predisposing syndrome. Also called: Hereditary Cancer Syndrome; Hereditary neoplastic syndrome; Neoplastic Syndromes, Hereditary; Tumor predisposition. Identifiers: Orphanet 140162, MedGen C0027672, MeSH D009386, MONDO:0015356.
Hereditary breast ovarian cancer syndrome. Also called: BRCA1- and BRCA2-Associated Hereditary Breast and Ovarian Cancer; Hereditary breast and ovarian cancer syndrome; Hereditary breast and ovarian cancer syndrome (HBOC); Breast and ovarian cancer; Hereditary breast and/or ovarian cancer syndrome; Hereditary breast and ovarian cancer. Identifiers: Orphanet 145, MedGen C0677776, MeSH D061325, MONDO:0003582. Disease mechanism: loss of function.
Breast-ovarian cancer, familial, susceptibility to, 1 (BROVCA1). Also called: BRCA1 Hereditary Breast and Ovarian Cancer; OVARIAN CANCER, SUSCEPTIBILITY TO. Identifiers: Orphanet 145, MedGen C2676676, MONDO:0011450, OMIM 604370. Disease mechanism: loss of function.
Familial cancer of breast. Also called: hereditary breast carcinoma; BREAST CANCER, FAMILIAL; Hereditary breast cancer. Identifiers: Orphanet 227535, MedGen C0346153, MONDO:0016419, OMIM 114480. Disease mechanism: loss of function.

Allele frequency attached by ClinVar (database versions not stated): TOPMed below 0.00001; gnomAD exomes below 0.00001 and 0.00001.
gnomAD v4.1: 2 of 1,613,656 alleles (0.00012%); highest among the groups gnomAD compares: Admixed American, 0.0017%; no homozygotes.

Submissions 1 to 9 of 17:

Evidence-based Network for the Interpretation of Germline Mutant Alleles (ENIGMA)
Classification: Pathogenic for Breast-ovarian cancer, familial, susceptibility to, 1. Last evaluated: 2016-09-08. Review status: reviewed by expert panel. Criteria: ENIGMA BRCA1/2 Classification Criteria (2015). Collection method: curation. Allele origin: germline.
Comment: Variant allele predicted to encode a truncated non-functional protein.

Labcorp Genetics (formerly Invitae), Labcorp
Classification: Pathogenic for Hereditary breast ovarian cancer syndrome. Last evaluated: 2026-01-23. Review status: criteria provided, single submitter. Criteria: Invitae Variant Classification Sherloc (09022015). Collection method: clinical testing. Allele origin: germline. Not counted in ClinVar's aggregate classification.
Comment: This sequence change creates a premature translational stop signal (p.Trp1712*) in the BRCA1 gene. It is expected to result in an absent or disrupted protein product. Loss-of-function variants in BRCA1 are known to be pathogenic (PMID: 20104584). This variant is present in population databases (rs80357418, gnomAD 0.0009%). This premature translational stop signal has been observed in individual(s) with breast and/or ovarian cancer (PMID: 12920083, 16683254, 27836010). This variant is also known as c.5255G>A. ClinVar contains an entry for this variant (Variation ID: 55410). For these reasons, this variant has been classified as Pathogenic.

KCCC/NGS Laboratory, Kuwait Cancer Control Center
Classification: Pathogenic for Breast-ovarian cancer, familial, susceptibility to, 1. Last evaluated: 2025-12-01. Review status: criteria provided, single submitter. Criteria: ACMG Guidelines, 2015. Collection method: clinical testing. Allele origin: germline. Inheritance: Autosomal dominant inheritance. Affected: yes. Not counted in ClinVar's aggregate classification.
Comment: A known pathogenic mutation

Molecular Pathology, Peter Maccallum Cancer Centre
Classification: Pathogenic for Breast-ovarian cancer, familial, susceptibility to, 1. Last evaluated: 2025-04-16. Review status: criteria provided, single submitter. Criteria: ACMG Guidelines, 2015. Collection method: clinical testing. Allele origin: germline. Inheritance: Autosomal dominant inheritance. Not counted in ClinVar's aggregate classification.

GeneDx
Classification: Pathogenic. Last evaluated: 2024-05-14. Review status: criteria provided, single submitter. Criteria: GeneDx Variant Classification Process June 2021. Collection method: clinical testing. Allele origin: germline. Affected: yes. Not counted in ClinVar's aggregate classification.
Comment: Nonsense variant predicted to result in protein truncation or nonsense mediated decay in a gene for which loss of function is a known mechanism of disease; Published functional studies demonstrate a damaging effect: variant classified as non-functional based on a saturation genome editing (SGE) assay measuring cell survival (PMID: 30209399); Observed in individuals with a personal or family history of breast and/or ovarian cancer (PMID: 12920083, 16683254, 29021639, 28087643, 30322717); Truncating variants in this gene are considered pathogenic by a well-established clinical consortium and/or database; Not observed at significant frequency in large population cohorts (gnomAD); Also known as 5255G>A; This variant is associated with the following publications: (PMID: 32073954, 36367610, 28087643, 31492746, 29922827, 28888541, 12920083, 16683254, 16944269, 16267036, 29021639, 30322717, 27376475, 25525159, 27067391, 29446198, 30787465, 38295319, Sultanbaev2022[CaseReport], 30209399)

Women's Health and Genetics/Laboratory Corporation of America, LabCorp
Classification: Pathogenic for Hereditary breast ovarian cancer syndrome. Last evaluated: 2024-04-30. Review status: criteria provided, single submitter. Criteria: LabCorp Variant Classification Summary - May 2015. Collection method: clinical testing. Allele origin: germline. Not counted in ClinVar's aggregate classification.
Comment: Variant summary: BRCA1 c.5136G>A (p.Trp1712X) results in a premature termination codon, predicted to cause a truncation of the encoded protein or absence of the protein due to nonsense mediated decay, which are commonly known mechanisms for disease. The variant allele was found at a frequency of 8e-06 in 251292 control chromosomes. c.5136G>A has been reported in the literature in individuals affected with Hereditary Breast And Ovarian Cancer Syndrome (Briceno-Balcazar_2017, Ozcelik_2003, Rebbeck_2018). These data indicate that the variant is likely to be associated with disease. To our knowledge, no experimental evidence demonstrating an impact on protein function has been reported. The following publications have been ascertained in the context of this evaluation (PMID: 12920083, 29021639, 29446198). ClinVar contains an entry for this variant (Variation ID: 55410). Based on the evidence outlined above, the variant was classified as pathogenic.

Ambry Genetics
Classification: Pathogenic for Hereditary cancer-predisposing syndrome. Last evaluated: 2022-12-20. Review status: criteria provided, single submitter. Criteria: Ambry Variant Classification Scheme 2023. Collection method: clinical testing. Allele origin: germline. Not counted in ClinVar's aggregate classification.
Comment: The p.W1712* pathogenic mutation (also known as c.5136G>A), located in coding exon 16 of the BRCA1 gene, results from a G to A substitution at nucleotide position 5136. This changes the amino acid from a tryptophan to a stop codon within coding exon 16. This alteration has been detected in numerous breast and/or ovarian cancer families (Ozcelik H et al. J. Med. Genet. 2003 Aug;40(8):e91; van der Hout AH et al. Hum Mutat. 2006 Jul;27(7):654-66; Schenkel LC et al. J Mol Diagn. 2016 Sep;18(5):657-667; Briceno-Balcazar I et al. Colomb Med (Cali). 2017 Jun 30;48(2):58-63). Of note, this alteration is designated as 5255G>A in some published literature. In addition to the clinical data presented in the literature, this alteration is expected to result in loss of function by premature protein truncation or nonsense-mediated mRNA decay. As such, this alteration is interpreted as a disease-causing mutation.

New York Genome Center
Classification: Pathogenic for Breast-ovarian cancer, familial, susceptibility to, 1. Last evaluated: 2022-06-16. Review status: criteria provided, single submitter. Criteria: NYGC Assertion Criteria 2020. Collection method: clinical testing. Allele origin: germline. Observed: 1 heterozygote. Not counted in ClinVar's aggregate classification.
Comment: The c.5136G>A variant in BRCA1 has previously been reported in individuals with hereditary breast and/or ovarian cancer [PMID:12920083, 30322717, 29446198,30787465] and it has been curated as pathogenic by an expert panel in ClinVar [ClinVar ID: 55410]. The c.5136G>A variant is observed in 3 alleles with 0 homozygote in population databases (gnomAD v2.1.1 and v3.1.2, TOPMed Freeze 8, All of Us), suggesting it is not a common benign variant in the populations represented in those databases. The c.5136G>A variant in BRCA1 is located in exon 17 of this 23-exon gene, is predicted to incorporate a premature termination codon (p.(Trp1712Ter), and is demonstrated to result in loss-of-function by saturation genome editing assays [PMID: 30209399]. Multiple loss-of-function variants downstream to the c.5136G>A variant have been reported in the literature and ClinVar in individuals with hereditary breast and/or ovarian cancer. Based on available evidence this c.5136G>A p.(Trp1712Ter) variant identified in BRCA1 is classified as Pathogenic.

Baylor Genetics
Classification: Pathogenic for Breast-ovarian cancer, familial, susceptibility to, 1. Last evaluated: 2022-04-04. Review status: criteria provided, single submitter. Criteria: ACMG Guidelines, 2015. Collection method: clinical testing. Allele origin: unknown. Not counted in ClinVar's aggregate classification.

NM_007294.4(BRCA1):c.5136G>A (p.Trp1712Ter)

Gene: BRCA1 (BRCA1 DNA repair associated; minus strand). Cytogenetic location: 17q21.31.
Variant type: single nucleotide variant.
Coding change: c.5136G>A on transcript NM_007294.4 (MANE Select); coding-DNA position 5136, G replaced by A.
Protein change: p.Trp1712Ter; replaces tryptophan 1712 with a stop codon.
Molecular consequence: nonsense. On other transcripts: non-coding transcript variant (1).
Genome position (GRCh38, 1-based): chr17:43,063,890, C>T on the plus strand (G>A on the coding strand, the complement: BRCA1 is on the minus strand). VCF-style: chr17-43063890-C-T. GRCh37 (hg19) VCF-style: chr17-41215907-C-T.
Other names: 5255G>A; c.5124G>A, p.Trp1708Ter (NM_001407646.1); c.5121G>A, p.Trp1707Ter (NM_001407647.1); c.5079G>A, p.Trp1693Ter (NM_001407648.1); c.5076G>A, p.Trp1692Ter (NM_001407649.1); c.5058G>A, p.Trp1686Ter (NM_001407653.1, NM_001407654.1, NM_001407655.1); c.5055G>A, p.Trp1685Ter (NM_001407656.1, NM_001407657.1, NM_001407658.1); c.4923G>A, p.Trp1641Ter (NM_001407897.1, NM_001407898.1, NM_001407899.1 and 12 more transcripts); and 73 more; short protein forms W1712*, W1665*, W1733*, W608*, W1558*, W1583*, W1585*, W1624*.
Identifiers: ClinVar variation 55410 (VCV000055410.33), dbSNP rs80357418, ClinGen allele CA003260.